The following is an entry in ClinVar:

ClinVar aggregate classification (germline): Uncertain significance (1 of 4 stars; one submission).

gnomAD v4.1: 61 of 1,614,000 alleles (0.0038%); highest among the groups gnomAD compares: Non-Finnish European, 0.0051%; no homozygotes.

Submission:

CeGaT Center for Human Genetics Tuebingen
Classification: Uncertain significance. Last evaluated: 2025-09-01. Review status: criteria provided, single submitter. Criteria: CeGaT Center For Human Genetics Tuebingen Variant Classification Criteria Version 2. Collection method: clinical testing. Allele origin: germline. Affected: yes. Observed: 1 variant allele.
Comment: KNG1: PM2, PVS1:Moderate

NM_001102416.3(KNG1):c.1256C>A (p.Ser419Ter)

Gene: KNG1 (kininogen 1; plus strand). Cytogenetic location: 3q27.3.
Variant type: single nucleotide variant.
Coding change: c.1256C>A on transcript NM_001102416.3 (MANE Select); coding-DNA position 1256, C replaced by A.
Protein change: p.Ser419Ter; replaces serine 419 with a stop codon.
Molecular consequence: nonsense. On other transcripts: intron variant (2).
Genome position (GRCh38, 1-based): chr3:186,741,652, C>A. VCF-style: chr3-186741652-C-A. GRCh37 (hg19) VCF-style: chr3-186459441-C-A.
Other names: c.1203+53C>A (NM_000893.4); c.1095+53C>A (NM_001166451.2); short protein forms S419*.
Identifiers: ClinVar variation 4281322 (VCV004281322.7).